The following is an entry in ClinVar:

ClinVar aggregate classification (germline): Uncertain significance (1 of 4 stars; one submission).

gnomAD v4.1: 1 of 1,598,424 alleles (0.000063%); highest among the groups gnomAD compares: South Asian, 0.0011%; no homozygotes.

Submission:

GeneDx
Classification: Uncertain significance. Last evaluated: 2026-02-10. Review status: criteria provided, single submitter. Criteria: GeneDx Variant Classification Process June 2021. Collection method: clinical testing. Allele origin: germline.
Comment: In silico analysis suggests that this missense variant does not alter protein structure/function; Has not been previously published as pathogenic or benign to our knowledge.

NM_006268.5(DPF2):c.498C>A (p.Asp166Glu)

Gene: DPF2 (double PHD fingers 2; plus strand). Cytogenetic location: 11q13.1.
Variant type: single nucleotide variant.
Coding change: c.498C>A on transcript NM_006268.5 (MANE Select); coding-DNA position 498, C replaced by A.
Protein change: p.Asp166Glu; replaces aspartic acid 166 with glutamic acid.
Molecular consequence: missense variant.
Genome position (GRCh38, 1-based): chr11:65,343,777, C>A. VCF-style: chr11-65343777-C-A. GRCh37 (hg19) VCF-style: chr11-65111248-C-A.
Other names: c.498C>A, p.Asp166Glu (NM_001330308.2); short protein forms D166E.
Identifiers: ClinVar variation 4976111 (VCV004976111.1).
Genomic context (GRCh38, chr11:65,343,777, plus strand): 5'-ACCCATGCTAACCCTCCTGTCCACTCAGCGGATCCTAGAACCAGATGACTTCCTGGATGA[C>A]CTCGATGATGAAGACTATGAAGAAGATACTCCCAAGCGTCGGGGAAAGGGGAAATCCAAG-3'
Protein context (NP_006259.1, residues 156-176): RILEPDDFLD[Asp166Glu]LDDEDYEEDT